The following is an entry in ClinVar:

ClinVar aggregate classification (germline): Uncertain significance. Review status: criteria provided, multiple submitters, no conflicts (2 of 4 stars). 2 submissions from 2 submitters: Uncertain significance (2). Last evaluated 2025-11-05.

Conditions:
Inborn genetic diseases. Identifiers: MedGen C0950123, MeSH D030342.

gnomAD v4.1: 6 of 1,613,712 alleles (0.00037%); highest among the groups gnomAD compares: African/African-American, 0.0027%; no homozygotes.

Submissions (2):

Ambry Genetics
Classification: Uncertain significance for Inborn genetic diseases. Last evaluated: 2025-11-05. Review status: criteria provided, single submitter. Criteria: Ambry Variant Classification Scheme 2023. Collection method: clinical testing. Allele origin: germline.

Labcorp Genetics (formerly Invitae), Labcorp
Classification: Uncertain significance. Last evaluated: 2025-01-06. Review status: criteria provided, single submitter. Criteria: Invitae Variant Classification Sherloc (09022015). Collection method: clinical testing. Allele origin: germline.
Comment: This sequence change replaces arginine, which is basic and polar, with histidine, which is basic and polar, at codon 1204 of the MCM3AP protein (p.Arg1204His). This variant is not present in population databases (gnomAD no frequency). This variant has not been reported in the literature in individuals affected with MCM3AP-related conditions. An algorithm developed to predict the effect of missense changes on protein structure and function (PolyPhen-2) suggests that this variant is likely to be disruptive. In summary, the available evidence is currently insufficient to determine the role of this variant in disease. Therefore, it has been classified as a Variant of Uncertain Significance.

NM_003906.5(MCM3AP):c.3611G>A (p.Arg1204His)

Gene: MCM3AP (minichromosome maintenance complex component 3 associated protein; minus strand). Cytogenetic location: 21q22.3.
Variant type: single nucleotide variant.
Coding change: c.3611G>A on transcript NM_003906.5 (MANE Select); coding-DNA position 3611, G replaced by A.
Protein change: p.Arg1204His; replaces arginine 1204 with histidine.
Molecular consequence: missense variant.
Genome position (GRCh38, 1-based): chr21:46,259,062, C>T on the plus strand (G>A on the coding strand, the complement: MCM3AP is on the minus strand). VCF-style: chr21-46259062-C-T. GRCh37 (hg19) VCF-style: chr21-47678976-C-T.
Other names: c.3611G>A (NM_003906.3); short protein forms R1204H.
Identifiers: ClinVar variation 3613856 (VCV003613856.3).